The following is an entry in ClinVar:

NM_001126108.2(SLC12A3):c.931G>A (p.Asp311Asn)

Gene: SLC12A3 (solute carrier family 12 member 3; plus strand). Cytogenetic location: 16q13.
Variant type: single nucleotide variant.
Coding change: c.931G>A on transcript NM_001126108.2 (MANE Select); coding-DNA position 931, G replaced by A.
Protein change: p.Asp311Asn; replaces aspartic acid 311 with asparagine.
Molecular consequence: missense variant.
Genome position (GRCh38, 1-based): chr16:56,872,429, G>A. VCF-style: chr16-56872429-G-A. GRCh37 (hg19) VCF-style: chr16-56906341-G-A.
Other names: c.931G>A, p.Asp311Asn (NM_000339.3); c.928G>A, p.Asp310Asn (NM_001126107.2, NM_001410896.1); short protein forms D310N, D311N.
Identifiers: ClinVar variation 2415867 (VCV002415867.3), dbSNP rs376634231, ClinGen allele CA8069266.

ClinVar aggregate classification (germline): Uncertain significance (1 of 4 stars; one submission).

Allele frequency attached by ClinVar (database versions not stated): ESP Exome Variant Server 0.00008.
gnomAD v4.1: 28 of 1,613,964 alleles (0.0017%); highest among the groups gnomAD compares: Middle Eastern, 0.016%; 1 homozygote.

Submission:

Labcorp Genetics (formerly Invitae), Labcorp
Classification: Uncertain significance. Last evaluated: 2022-08-20. Review status: criteria provided, single submitter. Criteria: Invitae Variant Classification Sherloc (09022015). Collection method: clinical testing. Allele origin: germline.
Comment: This sequence change replaces aspartic acid, which is acidic and polar, with asparagine, which is neutral and polar, at codon 311 of the SLC12A3 protein (p.Asp311Asn). This variant is present in population databases (rs376634231, gnomAD 0.003%). This variant has not been reported in the literature in individuals affected with SLC12A3-related conditions. Advanced modeling of protein sequence and biophysical properties (such as structural, functional, and spatial information, amino acid conservation, physicochemical variation, residue mobility, and thermodynamic stability) performed at Invitae indicates that this missense variant is not expected to disrupt SLC12A3 protein function. In summary, the available evidence is currently insufficient to determine the role of this variant in disease. Therefore, it has been classified as a Variant of Uncertain Significance.